The following is an entry in ClinVar:

ClinVar aggregate classification (germline): Uncertain significance (1 of 4 stars; one submission).

Conditions:
Fanconi anemia (FA). Also called: Fanconi's anemia. Identifiers: Orphanet 84, MedGen C0015625, MeSH D005199, MONDO:0019391.

Submission:

Labcorp Genetics (formerly Invitae), Labcorp
Classification: Uncertain significance for Fanconi anemia. Last evaluated: 2022-07-19. Review status: criteria provided, single submitter. Criteria: Invitae Variant Classification Sherloc (09022015). Collection method: clinical testing. Allele origin: germline.
Comment: This sequence change replaces glycine, which is neutral and non-polar, with valine, which is neutral and non-polar, at codon 87 of the FANCF protein (p.Gly87Val). This variant is not present in population databases (gnomAD no frequency). This variant has not been reported in the literature in individuals affected with FANCF-related conditions. Algorithms developed to predict the effect of missense changes on protein structure and function are either unavailable or do not agree on the potential impact of this missense change (SIFT: "Tolerated"; PolyPhen-2: "Possibly Damaging"; Align-GVGD: "Class C0"). In summary, the available evidence is currently insufficient to determine the role of this variant in disease. Therefore, it has been classified as a Variant of Uncertain Significance.

NM_022725.4(FANCF):c.260G>T (p.Gly87Val)

Gene: FANCF (FA complementation group F; minus strand). Cytogenetic location: 11p14.3.
Variant type: single nucleotide variant.
Coding change: c.260G>T on transcript NM_022725.4 (MANE Select); coding-DNA position 260, G replaced by T.
Protein change: p.Gly87Val; replaces glycine 87 with valine.
Molecular consequence: missense variant.
Genome position (GRCh38, 1-based): chr11:22,625,551, C>A on the plus strand (G>T on the coding strand, the complement: FANCF is on the minus strand). VCF-style: chr11-22625551-C-A. GRCh37 (hg19) VCF-style: chr11-22647097-C-A.
Other names: short protein forms G87V.
Identifiers: ClinVar variation 2050651 (VCV002050651.1), dbSNP rs1858633203, ClinGen allele CA380059390.